The following is an entry in ClinVar:

ClinVar aggregate classification (germline): Uncertain significance (1 of 4 stars; one submission).

Conditions:
Cardiovascular phenotype. Identifiers: MedGen CN230736.

Submission:

Ambry Genetics
Classification: Uncertain significance for Cardiovascular phenotype. Last evaluated: 2025-07-09. Review status: criteria provided, single submitter. Criteria: Ambry Variant Classification Scheme 2023. Collection method: clinical testing. Allele origin: germline.
Comment: The p.N628D variant (also known as c.1882A>G) is located in coding exon 18 of the ANK2 gene. The asparagine at codon 628 is replaced by aspartic acid, an amino acid with highly similar properties. This change occurs in the first base pair of coding exon 18. This amino acid position is conserved. In addition, this alteration is predicted to be tolerated by in silico analysis. Based on the available evidence, the clinical significance of this variant remains unclear.

NM_001148.6(ANK2):c.1882A>G (p.Asn628Asp)

Gene: ANK2 (ankyrin 2; plus strand). Cytogenetic location: 4q26.
Variant type: single nucleotide variant.
Coding change: c.1882A>G on transcript NM_001148.6 (MANE Select); coding-DNA position 1882, A replaced by G.
Protein change: p.Asn628Asp; replaces asparagine 628 with aspartic acid.
Molecular consequence: missense variant.
Genome position (GRCh38, 1-based): chr4:113,282,675, A>G. VCF-style: chr4-113282675-A-G. GRCh37 (hg19) VCF-style: chr4-114203831-A-G.
Other names: c.1819A>G, p.Asn607Asp (NM_001354239.2, NM_001354243.2, NM_001354244.2 and 10 more transcripts); c.1927A>G, p.Asn643Asp (NM_001354240.2, NM_001354241.2, NM_001354242.2 and 5 more transcripts); c.1783A>G, p.Asn595Asp (NM_001354245.2, NM_001354268.2); c.1882A>G, p.Asn628Asp (NM_001354246.2, NM_001354265.2, NM_001354225.2 and 6 more transcripts); c.1795A>G, p.Asn599Asp (NM_001354249.2, NM_001354264.2, NM_001354266.2 and 10 more transcripts); c.1672A>G, p.Asn558Asp (NM_001354269.3); c.1720A>G, p.Asn574Asp (NM_001354270.2, NM_001386156.1, NM_001354253.2 and 1 more transcripts); c.1696A>G, p.Asn566Asp (NM_001354271.2, NM_001386151.1, NM_001354260.2); and 8 more; short protein forms N558D, N628D, N643D, N562D, N595D, N599D, N607D, N637D.
Identifiers: ClinVar variation 4096514 (VCV004096514.1).
Genomic context (GRCh38, chr4:113,282,675, plus strand): 5'-GTATTAGAGCAATTGTTAATCTTACTCTATATGCATGTGTTTTATTTTTGTTCTTTTTAG[A>G]ATGGCTATACTCCGTTACATATTGCTGCCAAGAAGAATCAAATGCAGATAGCTTCCACAC-3'
Protein context (NP_001139.3, residues 618-638): KGASPHATAK[Asn628Asp]GYTPLHIAAK